The following is an entry in ClinVar:

ClinVar aggregate classification (germline): Conflicting classifications of pathogenicity. Review status: criteria provided, conflicting classifications (1 of 4 stars). 2 submissions from 2 submitters: Uncertain significance (1); Likely benign (1). Last evaluated 2025-08-18.

Conditions:
Hereditary cancer-predisposing syndrome. Also called: Tumor predisposition; Hereditary Cancer Syndrome; Hereditary neoplastic syndrome; Neoplastic Syndromes, Hereditary. Identifiers: Orphanet 140162, MedGen C0027672, MeSH D009386, MONDO:0015356.

Submissions (2):

Labcorp Genetics (formerly Invitae), Labcorp
Classification: Likely benign. Last evaluated: 2025-08-18. Review status: criteria provided, single submitter. Criteria: Invitae Variant Classification Sherloc (09022015). Collection method: clinical testing. Allele origin: germline.

Ambry Genetics
Classification: Uncertain significance for Hereditary cancer-predisposing syndrome. Last evaluated: 2025-07-23. Review status: criteria provided, single submitter. Criteria: Ambry Variant Classification Scheme 2023. Collection method: clinical testing. Allele origin: germline.
Comment: The c.5214C>T variant (also known as p.T1738T), located in coding exon 39 of the POLE gene, results from a C to T substitution at nucleotide position 5214. This nucleotide substitution does not change the amino acid at codon 1738. This nucleotide position is well conserved in available vertebrate species. In silico splice site analysis for this alteration is inconclusive. Based on the available evidence, the clinical significance of this variant remains unclear.

NM_006231.4(POLE):c.5214C>T (p.Thr1738=)

Gene: POLE (DNA polymerase epsilon, catalytic subunit; minus strand). Cytogenetic location: 12q24.33.
Variant type: single nucleotide variant.
Coding change: c.5214C>T on transcript NM_006231.4 (MANE Select); coding-DNA position 5214, C replaced by T.
Protein change: p.Thr1738=; no amino-acid change (threonine 1738 retained).
Molecular consequence: synonymous variant.
Genome position (GRCh38, 1-based): chr12:132,641,811, G>A on the plus strand (C>T on the coding strand, the complement: POLE is on the minus strand). VCF-style: chr12-132641811-G-A. GRCh37 (hg19) VCF-style: chr12-133218397-G-A.
Other names: c.5214C>T (NM_006231.2).
Identifiers: ClinVar variation 1561687 (VCV001561687.9), dbSNP rs2138525867, ClinGen allele CA482727395.